The following is an entry in ClinVar:

ClinVar aggregate classification (germline): Likely pathogenic (1 of 4 stars; one submission).

Conditions:
Cardiovascular phenotype. Identifiers: MedGen CN230736.

Submission:

Ambry Genetics
Classification: Likely pathogenic for Cardiovascular phenotype. Last evaluated: 2025-02-11. Review status: criteria provided, single submitter. Criteria: Ambry Variant Classification Scheme 2023. Collection method: clinical testing. Allele origin: germline.
Comment: The c.66601delA variant, located in coding exon 166 of the TTN gene, results from a deletion of one nucleotide at nucleotide position 66601, causing a translational frameshift with a predicted alternate stop codon (p.T22201Qfs*8). This exon is located in the A-band region of the N2-B isoform of the titin protein and is constitutively expressed in TTN transcripts (percent spliced in or PSI 100%). This variant is expected to result in loss of function by premature protein truncation or nonsense-mediated mRNA decay. While truncating variants in TTN are present in 1-3% of the general population, truncating variants in the A-band are the most common cause of dilated cardiomyopathy (Herman DS et al. N. Engl. J. Med., 2012 Feb;366:619-28; Roberts AM et al. Sci Transl Med, 2015 Jan;7:270ra6). TTN truncating variants encoded in constitutive exons (PSI >90%) have been found to be significantly associated with DCM regardless of their position in titin (Schafer S et al. Nat. Genet., 2017 01;49:46-53; Akhtar MM et al. Circ Heart Fail, 2020 Oct;13:e006832; Massier M et al. Clin Genet, 2025 Jan). This variant is considered to be rare based on population cohorts in the Genome Aggregation Database (gnomAD). Based on the majority of available evidence to date, this variant is likely to be pathogenic.

NM_001267550.2(TTN):c.93796del (p.Thr31266fs)

Genes: TTN (titin; minus strand), TTN-AS1 (TTN antisense RNA 1; plus strand). Cytogenetic location: 2q31.2.
Variant type: Deletion.
Coding change: c.93796del on transcript NM_001267550.2 (MANE Select); coding-DNA position 93796, one base deleted (A; older notation c.93796delA).
Protein change: p.Thr31266fs; shifts the reading frame from threonine 31266.
Molecular consequence: frameshift variant.
Genome position (GRCh38, 1-based): chr2:178,547,830, T deleted on the plus strand (A on the coding strand, the reverse complement: TTN is on the minus strand); the first of 2 consecutive T bases (chr2:178,547,830-178,547,831); deleting either gives the same sequence. VCF-style (leftmost placement, unchanged base first): chr2-178547829-GT-G. GRCh37 (hg19) VCF-style: chr2-179412556-GT-G.
Other names: c.88873del, p.Thr29625fs (NM_001256850.1); c.66601del, p.Thr22201fs (NM_003319.4); c.86092del, p.Thr28698fs (NM_133378.4); c.66976del, p.Thr22326fs (NM_133432.3); c.67177del, p.Thr22393fs (NM_133437.4); c.66601delA (NM_003319.4); short protein forms T22326fs, T28698fs, T29625fs, T22393fs, T31266fs, T22201fs.
Identifiers: ClinVar variation 3812263 (VCV003812263.1).